The following is an entry in ClinVar:

ClinVar aggregate classification (germline): Uncertain significance. Review status: criteria provided, multiple submitters, no conflicts (2 of 4 stars). 2 submissions from 2 submitters: Uncertain significance (2). Last evaluated 2025-04-16.

Conditions:
Hereditary cancer-predisposing syndrome. Also called: Neoplastic Syndromes, Hereditary; Hereditary neoplastic syndrome; Tumor predisposition; Hereditary Cancer Syndrome. Identifiers: Orphanet 140162, MedGen C0027672, MeSH D009386, MONDO:0015356.

Submissions (2):

Labcorp Genetics (formerly Invitae), Labcorp
Classification: Uncertain significance. Last evaluated: 2025-04-16. Review status: criteria provided, single submitter. Criteria: Invitae Variant Classification Sherloc (09022015). Collection method: clinical testing. Allele origin: germline.
Comment: This sequence change replaces glycine, which is neutral and non-polar, with cysteine, which is neutral and slightly polar, at codon 1216 of the POLE protein (p.Gly1216Cys). This variant is not present in population databases (gnomAD no frequency). This variant has not been reported in the literature in individuals affected with POLE-related conditions. ClinVar contains an entry for this variant (Variation ID: 2496840). Invitae Evidence Modeling of protein sequence and biophysical properties (such as structural, functional, and spatial information, amino acid conservation, physicochemical variation, residue mobility, and thermodynamic stability) indicates that this missense variant is not expected to disrupt POLE protein function with a negative predictive value of 80%. In summary, the available evidence is currently insufficient to determine the role of this variant in disease. Therefore, it has been classified as a Variant of Uncertain Significance.

Ambry Genetics
Classification: Uncertain significance for Hereditary cancer-predisposing syndrome. Last evaluated: 2023-02-16. Review status: criteria provided, single submitter. Criteria: Ambry Variant Classification Scheme 2023. Collection method: clinical testing. Allele origin: germline.
Comment: The p.G1216C variant (also known as c.3646G>T), located in coding exon 30 of the POLE gene, results from a G to T substitution at nucleotide position 3646. The glycine at codon 1216 is replaced by cysteine, an amino acid with highly dissimilar properties. This amino acid position is conserved. In addition, the in silico prediction for this alteration is inconclusive. Since supporting evidence is limited at this time, the clinical significance of this alteration remains unclear.

NM_006231.4(POLE):c.3646G>T (p.Gly1216Cys)

Gene: POLE (DNA polymerase epsilon, catalytic subunit; minus strand). Cytogenetic location: 12q24.33.
Variant type: single nucleotide variant.
Coding change: c.3646G>T on transcript NM_006231.4 (MANE Select); coding-DNA position 3646, G replaced by T.
Protein change: p.Gly1216Cys; replaces glycine 1216 with cysteine.
Molecular consequence: missense variant.
Genome position (GRCh38, 1-based): chr12:132,649,826, C>A on the plus strand (G>T on the coding strand, the complement: POLE is on the minus strand). VCF-style: chr12-132649826-C-A. GRCh37 (hg19) VCF-style: chr12-133226412-C-A.
Other names: short protein forms G1216C.
Identifiers: ClinVar variation 2496840 (VCV002496840.3), dbSNP rs200114024, ClinGen allele CA387386799.